The following is an entry in ClinVar:

NM_032608.7(MYO18B):c.4021G>T (p.Val1341Phe)

Gene: MYO18B (myosin XVIIIB; plus strand). Cytogenetic location: 22q12.1.
Variant type: single nucleotide variant.
Coding change: c.4021G>T on transcript NM_032608.7 (MANE Select); coding-DNA position 4021, G replaced by T.
Protein change: p.Val1341Phe; replaces valine 1341 with phenylalanine.
Molecular consequence: missense variant.
Genome position (GRCh38, 1-based): chr22:25,874,355, G>T. VCF-style: chr22-25874355-G-T. GRCh37 (hg19) VCF-style: chr22-26270322-G-T.
Other names: c.4024G>T, p.Val1342Phe (NM_001318245.2); short protein forms V1341F, V1342F.
Identifiers: ClinVar variation 2088812 (VCV002088812.4), dbSNP rs377101901, ClinGen allele CA10160729.

ClinVar aggregate classification (germline): Uncertain significance (1 of 4 stars; one submission).

Allele frequency attached by ClinVar (database versions not stated): ExAC 0.00001.
gnomAD v4.1: 6 of 1,613,976 alleles (0.00037%); highest among the groups gnomAD compares: Non-Finnish European, 0.00051%; no homozygotes.

Submission:

Labcorp Genetics (formerly Invitae), Labcorp
Classification: Uncertain significance. Last evaluated: 2022-02-01. Review status: criteria provided, single submitter. Criteria: Invitae Variant Classification Sherloc (09022015). Collection method: clinical testing. Allele origin: germline.
Comment: In summary, the available evidence is currently insufficient to determine the role of this variant in disease. Therefore, it has been classified as a Variant of Uncertain Significance. Algorithms developed to predict the effect of missense changes on protein structure and function are either unavailable or do not agree on the potential impact of this missense change (SIFT: "Not Available"; PolyPhen-2: "Possibly Damaging"; Align-GVGD: "Not Available"). This variant has not been reported in the literature in individuals affected with MYO18B-related conditions. This variant is present in population databases (rs377101901, gnomAD 0.0009%). This sequence change replaces valine, which is neutral and non-polar, with phenylalanine, which is neutral and non-polar, at codon 1341 of the MYO18B protein (p.Val1341Phe).